The following is an entry in ClinVar:

NM_018136.5(ASPM):c.7325_7332dup (p.Ile2445fs)

Gene: ASPM (assembly factor for spindle microtubules; minus strand). Cytogenetic location: 1q31.3.
Variant type: Duplication.
Coding change: c.7325_7332dup on transcript NM_018136.5 (MANE Select); coding-DNA positions 7325 to 7332, 8 bases duplicated (GAGCCACC; older notation c.7325_7332dupGAGCCACC).
Protein change: p.Ile2445fs; shifts the reading frame from isoleucine 2445.
Molecular consequence: frameshift variant. On other transcripts: intron variant (1).
Genome position (GRCh38, 1-based): chr1:197,101,919-197,101,926, GGTGGCTC duplicated on the plus strand (GAGCCACC on the coding strand, the reverse complement: ASPM is on the minus strand); duplicating any 8 consecutive bases within chr1:197,101,919-197,101,927 gives the same sequence; the c. name uses the placement nearest the transcript's 3' end. VCF-style (leftmost placement, unchanged base first): chr1-197101918-T-TGGTGGCTC. GRCh37 (hg19) VCF-style: chr1-197071048-T-TGGTGGCTC.
Other names: c.7325_7332dupGAGCCACC (NM_018136.4, NM_018136.5); c.4066-5762_4066-5755dup (NM_001206846.2); short protein forms I2445fs.
Identifiers: ClinVar variation 995414 (VCV000995414.14), dbSNP rs758549961, ClinGen allele CA1309422.

ClinVar aggregate classification (germline): Pathogenic. Review status: criteria provided, multiple submitters, no conflicts (2 of 4 stars). 6 submissions from 6 submitters: Pathogenic (6). Last evaluated 2025-09-03.

Conditions:
Microcephaly 5, primary, autosomal recessive (MCPH5). Also called: ASPM Primary Microcephaly. Identifiers: Orphanet 2512, MedGen C1837501, MONDO:0012106, OMIM 608716.
Developmental and epileptic encephalopathy 116. Identifiers: MedGen C5935615, MONDO:0970945, OMIM 620806.

Submissions (6):

Institute of Immunology and Genetics Kaiserslautern
Classification: Pathogenic for Microcephaly 5, primary, autosomal recessive. Last evaluated: 2025-09-03. Review status: criteria provided, single submitter. Criteria: ACMG Guidelines, 2015. Collection method: clinical testing. Allele origin: germline. Affected: yes.
Comment: ACMG Criteria: PVS1, PM2, PP5; Variant was found in heterozygous state. Variant was forund in compound heterozygous state with ASPM(NM_018136.5):c.6232C>T

Variantyx, Inc.
Classification: Pathogenic for Developmental and epileptic encephalopathy 116. Last evaluated: 2025-08-11. Review status: criteria provided, single submitter. Criteria: Variantyx Assertion Criteria 2022. Collection method: clinical testing. Allele origin: germline. Inheritance: Autosomal recessive inheritance. Affected: yes.
Comment: This is a frameshift variant in the ASPM gene (OMIM: 605481). Pathogenic variants in this gene have been associated with autosomal recessive primary microcephaly 5. This variant introduces a premature termination codon in exon 18 out of 28 and is expected to result in loss of function, which is a known disease mechanism for ASPM in this disorder (PMID: 19028728, 23611254) (PVS1). It has a 0.0139% maximum allele frequency in non-founder control populations (PM2). Based on the current evidence, this variant is classified as pathogenic for autosomal recessive primary microcephaly 5.

GeneDx
Classification: Pathogenic. Last evaluated: 2024-04-01. Review status: criteria provided, single submitter. Criteria: GeneDx Variant Classification Process June 2021. Collection method: clinical testing. Allele origin: germline. Affected: yes.
Comment: Frameshift variant predicted to result in protein truncation or nonsense mediated decay in a gene for which loss of function is a known mechanism of disease; Not observed at significant frequency in large population cohorts (gnomAD); Has not been previously published as pathogenic or benign to our knowledge

Labcorp Genetics (formerly Invitae), Labcorp
Classification: Pathogenic. Last evaluated: 2023-08-04. Review status: criteria provided, single submitter. Criteria: Invitae Variant Classification Sherloc (09022015). Collection method: clinical testing. Allele origin: germline.
Comment: For these reasons, this variant has been classified as Pathogenic. ClinVar contains an entry for this variant (Variation ID: 995414). This variant has not been reported in the literature in individuals affected with ASPM-related conditions. This variant is present in population databases (rs758549961, gnomAD 0.006%). This sequence change creates a premature translational stop signal (p.Ile2445Glufs*16) in the ASPM gene. It is expected to result in an absent or disrupted protein product. Loss-of-function variants in ASPM are known to be pathogenic (PMID: 19028728, 23611254).

Genome-Nilou Lab
Classification: Pathogenic for Microcephaly 5, primary, autosomal recessive. Last evaluated: 2023-04-11. Review status: criteria provided, single submitter. Criteria: ACMG Guidelines, 2015. Collection method: clinical testing. Allele origin: germline. Affected: no.

MVZ Martinsried, Medicover Genetics
Classification: Pathogenic for Microcephaly 5, primary, autosomal recessive. Last evaluated: 2020-10-13. Review status: criteria provided, single submitter. Criteria: ACGS Guidelines, 2020. Collection method: clinical testing. Allele origin: maternal. Affected: yes.

Literature cited by the submitters: PubMed 19028728 (cited by Variantyx, Inc. and Labcorp Genetics (formerly Invitae), Labcorp); PubMed 23611254 (cited by Variantyx, Inc. and Labcorp Genetics (formerly Invitae), Labcorp).